The following is an entry in ClinVar:

NM_005422.4(TECTA):c.5586+65T>C

Genes: TBCEL-TECTA (TBCEL-TECTA readthrough; plus strand), TECTA (tectorin alpha; plus strand). Cytogenetic location: 11q23.3.
Variant type: single nucleotide variant.
Coding change: c.5586+65T>C on transcript NM_005422.4 (MANE Select); 65 bases into the intron after coding-DNA position 5586, T replaced by C.
Molecular consequence: intron variant.
Genome position (GRCh38, 1-based): chr11:121,166,845, T>C. VCF-style: chr11-121166845-T-C. GRCh37 (hg19) VCF-style: chr11-121037554-T-C.
Other names: c.6528+65T>C (NM_001378761.1).
Identifiers: ClinVar variation 682583 (VCV000682583.2), dbSNP rs615697, ClinGen allele CA13544227.

ClinVar aggregate classification (germline): Benign. Review status: criteria provided, multiple submitters, no conflicts (2 of 4 stars). 2 submissions from 2 submitters: Benign (2). Last evaluated 2018-06-16.

Allele frequency attached by ClinVar (database versions not stated): gnomAD exomes 0.20676; 1000 Genomes Project 0.22724; 1000 Genomes Project 30x 0.23938; gnomAD 0.27126 and 0.28142; TOPMed 0.27773.
gnomAD v4.1: 338,770 of 1,592,438 alleles (21%); highest among the groups gnomAD compares: African/African-American, 49%; 41,044 homozygotes.

Submissions (2):

GeneDx
Classification: Benign. Last evaluated: 2018-06-16. Review status: criteria provided, single submitter. Criteria: GeneDx Variant Classification (06012015). Collection method: clinical testing. Allele origin: germline. Affected: yes.
Comment: This variant is considered likely benign or benign based on one or more of the following criteria: it is a conservative change, it occurs at a poorly conserved position in the protein, it is predicted to be benign by multiple in silico algorithms, and/or has population frequency not consistent with disease.

Breakthrough Genomics
Classification: Benign. Review status: criteria provided, single submitter. Criteria: ACMG Guidelines, 2015. Collection method: not provided. Allele origin: germline. Inheritance: Autosomal recessive inheritance. Affected: yes.